The following is an entry in ClinVar:

NM_005660.3(SLC35A2):c.73C>A (p.Pro25Thr)

Gene: SLC35A2 (solute carrier family 35 member A2; minus strand). Cytogenetic location: Xp11.23.
Variant type: single nucleotide variant.
Coding change: c.73C>A on transcript NM_005660.3 (MANE Select); coding-DNA position 73, C replaced by A.
Protein change: p.Pro25Thr; replaces proline 25 with threonine.
Molecular consequence: missense variant. On other transcripts: intron variant (1).
Genome position (GRCh38, 1-based): chrX:48,911,564, G>T on the plus strand (C>A on the coding strand, the complement: SLC35A2 is on the minus strand). VCF-style: chrX-48911564-G-T. GRCh37 (hg19) VCF-style: chrX-48768841-G-T.
Other names: c.73C>A, p.Pro25Thr (NM_001032289.3, NM_001042498.3, NM_001282647.2 and 3 more transcripts); c.19+295C>A (NM_001282648.2); short protein forms P25T.
Identifiers: ClinVar variation 2908532 (VCV002908532.4), dbSNP rs1443492116, ClinGen allele CA412898746.

ClinVar aggregate classification (germline): Conflicting classifications of pathogenicity. Review status: criteria provided, conflicting classifications (1 of 4 stars). 2 submissions from 2 submitters: Uncertain significance (1); Likely benign (1). Last evaluated 2025-02-16.

Conditions:
SLC35A2-congenital disorder of glycosylation. Also called: DEVELOPMENTAL AND EPILEPTIC ENCEPHALOPATHY 22; CONGENITAL DISORDER OF GLYCOSYLATION, TYPE IIm; CDG IIm; SLC35A2-CDG; EPILEPTIC ENCEPHALOPATHY, EARLY INFANTILE, 22; CONGENITAL DISORDER OF GLYCOSYLATION, TYPE IIm, SOMATIC MOSAIC. Identifiers: Orphanet 356961, MedGen C3806688, MONDO:0010478, OMIM 300896.

Allele frequency attached by ClinVar (database versions not stated): gnomAD exomes 0.00001; TOPMed 0.00001; gnomAD 0.00012.
gnomAD v4.1: 29 of 1,162,485 alleles (0.0025%); highest among the groups gnomAD compares: Non-Finnish European, 0.0032%; no homozygotes.

Submissions (2):

Laboratory of Genetics, Children's Clinical University Hospital Latvia
Classification: Likely benign. Last evaluated: 2025-02-16. Review status: criteria provided, single submitter. Criteria: ACMG Guidelines, 2015. Collection method: clinical testing. Allele origin: germline. Affected: yes.

Labcorp Genetics (formerly Invitae), Labcorp
Classification: Uncertain significance for SLC35A2-congenital disorder of glycosylation. Last evaluated: 2024-07-17. Review status: criteria provided, single submitter. Criteria: Invitae Variant Classification Sherloc (09022015). Collection method: clinical testing. Allele origin: germline.
Comment: This sequence change replaces proline, which is neutral and non-polar, with threonine, which is neutral and polar, at codon 25 of the SLC35A2 protein (p.Pro25Thr). The frequency data for this variant in the population databases is considered unreliable, as metrics indicate poor data quality at this position in the gnomAD database. This variant has not been reported in the literature in individuals affected with SLC35A2-related conditions. Advanced modeling of protein sequence and biophysical properties (such as structural, functional, and spatial information, amino acid conservation, physicochemical variation, residue mobility, and thermodynamic stability) has been performed at Invitae for this missense variant, however the output from this modeling did not meet the statistical confidence thresholds required to predict the impact of this variant on SLC35A2 protein function. In summary, the available evidence is currently insufficient to determine the role of this variant in disease. Therefore, it has been classified as a Variant of Uncertain Significance.